The following is an entry in ClinVar:

NM_014974.3(DIP2C):c.3514C>T (p.Pro1172Ser)

Gene: DIP2C (DIP2 acetate--CoA ligase C (putative); minus strand). Cytogenetic location: 10p15.3.
Variant type: single nucleotide variant.
Coding change: c.3514C>T on transcript NM_014974.3 (MANE Select); coding-DNA position 3514, C replaced by T.
Protein change: p.Pro1172Ser; replaces proline 1172 with serine.
Molecular consequence: missense variant.
Genome position (GRCh38, 1-based): chr10:341,269, G>A on the plus strand (C>T on the coding strand, the complement: DIP2C is on the minus strand). VCF-style: chr10-341269-G-A. GRCh37 (hg19) VCF-style: chr10-387209-G-A.
Other names: short protein forms P1172S.
Identifiers: ClinVar variation 1914468 (VCV001914468.5), dbSNP rs758923591, ClinGen allele CA201903827.
Genomic context (GRCh38, chr10:341,269, plus strand): 5'-ACCAGAGGACAAATCCCAGTCCACAGTAAGGGTCCAGGCAGATGGCCACTTCTCTAGAGG[G>A]GTAAAGTTCACACTGCAGCTTAATGGAACGGCAGAAGGCACTGGTGGCTGCGTGAGACAT-3'
Protein context (NP_055789.1, residues 1162-1182): RSIKLQCELY[Pro1172Ser]SREVAICLDP

ClinVar aggregate classification (germline): Uncertain significance (1 of 4 stars; one submission).

Allele frequency attached by ClinVar (database versions not stated): gnomAD exomes 0.00001.
gnomAD v4.1: 11 of 1,614,200 alleles (0.00068%); highest among the groups gnomAD compares: Non-Finnish European, 0.00093%; no homozygotes.

Submission:

Labcorp Genetics (formerly Invitae), Labcorp
Classification: Uncertain significance. Last evaluated: 2022-05-28. Review status: criteria provided, single submitter. Criteria: Invitae Variant Classification Sherloc (09022015). Collection method: clinical testing. Allele origin: germline.
Comment: This sequence change replaces proline, which is neutral and non-polar, with serine, which is neutral and polar, at codon 1172 of the DIP2C protein (p.Pro1172Ser). This variant is not present in population databases (gnomAD no frequency). This variant has not been reported in the literature in individuals affected with DIP2C-related conditions. Algorithms developed to predict the effect of missense changes on protein structure and function are either unavailable or do not agree on the potential impact of this missense change (SIFT: "Tolerated"; PolyPhen-2: "Probably Damaging"; Align-GVGD: "Class C0"). In summary, the available evidence is currently insufficient to determine the role of this variant in disease. Therefore, it has been classified as a Variant of Uncertain Significance.